The following is an entry in ClinVar:

ClinVar aggregate classification (germline): Likely pathogenic (1 of 4 stars; one submission).

Conditions:
Dilated cardiomyopathy 1G (CMD1G). Identifiers: Orphanet 154, MedGen C1858763, MONDO:0011400, OMIM 604145.
Autosomal recessive limb-girdle muscular dystrophy type 2J (LGMDR10). Also called: Limb-girdle muscular dystrophy, type 2J; MUSCULAR DYSTROPHY, LIMB-GIRDLE, AUTOSOMAL RECESSIVE 10. Identifiers: Orphanet 140922, MedGen C1837342, MONDO:0012127, OMIM 608807.

Submission:

Labcorp Genetics (formerly Invitae), Labcorp
Classification: Likely pathogenic for Dilated cardiomyopathy 1G; Autosomal recessive limb-girdle muscular dystrophy type 2J. Last evaluated: 2024-09-23. Review status: criteria provided, single submitter. Criteria: Invitae Variant Classification Sherloc (09022015). Collection method: clinical testing. Allele origin: germline.
Comment: While this is not anticipated to result in nonsense mediated decay, it is expected to create a truncated TTN protein. While this is not anticipated to result in nonsense mediated decay, it is expected to create a truncated TTN protein. This variant is not present in population databases (gnomAD no frequency). This variant has not been reported in the literature in individuals affected with TTN-related conditions. This variant is located in the A band of TTN (PMID: 25589632). Truncating variants in this region are significantly overrepresented in patients affected with dilated cardiomyopathy (PMID: 25589632). Truncating variants in this region have also been reported in individuals affected with autosomal recessive centronuclear myopathy (PMID: 23975875). In summary, the currently available evidence indicates that the variant is pathogenic, but additional data are needed to prove that conclusively. Therefore, this variant has been classified as Likely Pathogenic.

Literature cited by the submitters: PubMed 25589632; PubMed 23975875.

NM_001267550.2(TTN):c.84438del (p.Val28147fs)

Genes: TTN (titin; minus strand), TTN-AS1 (TTN antisense RNA 1; plus strand). Cytogenetic location: 2q31.2.
Variant type: Deletion.
Coding change: c.84438del on transcript NM_001267550.2 (MANE Select); coding-DNA position 84438, one base deleted (T; older notation c.84438delT).
Protein change: p.Val28147fs; shifts the reading frame from valine 28147.
Molecular consequence: frameshift variant.
Genome position (GRCh38, 1-based): chr2:178,561,694, A deleted on the plus strand (T on the coding strand, the reverse complement: TTN is on the minus strand); the first of 2 consecutive A bases (chr2:178,561,694-178,561,695); deleting either gives the same sequence. VCF-style (leftmost placement, unchanged base first): chr2-178561693-CA-C. GRCh37 (hg19) VCF-style: chr2-179426420-CA-C.
Other names: c.79515del, p.Val26506fs (NM_001256850.1); c.57243del, p.Val19082fs (NM_003319.4); c.76734del, p.Val25579fs (NM_133378.4); c.57618del, p.Val19207fs (NM_133432.3); c.57819del, p.Val19274fs (NM_133437.4); short protein forms V19082fs, V19207fs, V19274fs, V25579fs, V26506fs, V28147fs.
Identifiers: ClinVar variation 3759213 (VCV003759213.2).